The following is an entry in ClinVar:

ClinVar aggregate classification (germline): Uncertain significance (1 of 4 stars; one submission).

gnomAD v4.1: 3 of 1,614,240 alleles (0.00019%); highest among the groups gnomAD compares: Non-Finnish European, 0.00017%; no homozygotes.

Submission:

Ambry Genetics
Classification: Uncertain significance. Last evaluated: 2025-02-08. Review status: criteria provided, single submitter. Criteria: Ambry Variant Classification Scheme 2023. Collection method: clinical testing. Allele origin: germline.
Comment: The p.S32G variant (also known as c.94A>G), located in coding exon 1 of the CDK12 gene, results from an A to G substitution at nucleotide position 94. The serine at codon 32 is replaced by glycine, an amino acid with similar properties. This amino acid position is conserved. In addition, this alteration is predicted to be tolerated by in silico analysis. Based on the available evidence, the clinical significance of this variant remains unclear.

NM_016507.4(CDK12):c.94A>G (p.Ser32Gly)

Genes: CDK12 (cyclin dependent kinase 12; plus strand), LOC126862553 (CDK7 strongly-dependent group 2 enhancer GRCh37_chr17:37618166-37619365; plus strand). Cytogenetic location: 17q12.
Variant type: single nucleotide variant.
Coding change: c.94A>G on transcript NM_016507.4 (MANE Select); coding-DNA position 94, A replaced by G.
Protein change: p.Ser32Gly; replaces serine 32 with glycine.
Molecular consequence: missense variant.
Genome position (GRCh38, 1-based): chr17:39,462,165, A>G. VCF-style: chr17-39462165-A-G. GRCh37 (hg19) VCF-style: chr17-37618418-A-G.
Other names: c.94A>G, p.Ser32Gly (NM_015083.4); short protein forms S32G.
Identifiers: ClinVar variation 3830626 (VCV003830626.1).